The following is an entry in ClinVar:

ClinVar aggregate classification (germline): Uncertain significance (1 of 4 stars; one submission).

Conditions:
Hypoplastic left heart syndrome. Also called: Hypoplastic left ventricle; Hypoplastic left heart. Identifiers: Orphanet 2248, MedGen C0152101, MONDO:0004933, HP:0004383.

Allele frequency attached by ClinVar (database versions not stated): gnomAD exomes below 0.00001; TOPMed below 0.00001.

Submission:

Labcorp Genetics (formerly Invitae), Labcorp
Classification: Uncertain significance for Hypoplastic left heart syndrome. Last evaluated: 2023-11-13. Review status: criteria provided, single submitter. Criteria: Invitae Variant Classification Sherloc (09022015). Collection method: clinical testing. Allele origin: germline.
Comment: This sequence change replaces glutamic acid, which is acidic and polar, with lysine, which is basic and polar, at codon 38 of the HAND1 protein (p.Glu38Lys). This variant is not present in population databases (gnomAD no frequency). This variant has not been reported in the literature in individuals affected with HAND1-related conditions. An algorithm developed to predict the effect of missense changes on protein structure and function (PolyPhen-2) suggests that this variant is likely to be tolerated. In summary, the available evidence is currently insufficient to determine the role of this variant in disease. Therefore, it has been classified as a Variant of Uncertain Significance.

NM_004821.3(HAND1):c.112G>A (p.Glu38Lys)

Gene: HAND1 (heart and neural crest derivatives expressed 1; minus strand). Cytogenetic location: 5q33.2.
Variant type: single nucleotide variant.
Coding change: c.112G>A on transcript NM_004821.3 (MANE Select); coding-DNA position 112, G replaced by A.
Protein change: p.Glu38Lys; replaces glutamic acid 38 with lysine.
Molecular consequence: missense variant.
Genome position (GRCh38, 1-based): chr5:154,477,897, C>T on the plus strand (G>A on the coding strand, the complement: HAND1 is on the minus strand). VCF-style: chr5-154477897-C-T. GRCh37 (hg19) VCF-style: chr5-153857457-C-T.
Other names: short protein forms E38K.
Identifiers: ClinVar variation 2884973 (VCV002884973.3), dbSNP rs1757574571, ClinGen allele CA361923605.